The following is an entry in ClinVar:

ClinVar aggregate classification (germline): Uncertain significance (1 of 4 stars; one submission).

Conditions:
Orofacial cleft 11 (OFC11). Also called: Orofacial cleft 11; ofc11; CLEFT LIP WITH OR WITHOUT CLEFT PALATE, NONSYNDROMIC, 11. Identifiers: MedGen C2677434, MONDO:0010906, OMIM 600625.
Microphthalmia with brain and digit anomalies (MCOPS6). Also called: Microphthalmia, syndromic 6; MICROPHTHALMIA AND PITUITARY ANOMALIES. Identifiers: Orphanet 139471, MedGen C1864689, MONDO:0011936, OMIM 607932.

Submission:

Labcorp Genetics (formerly Invitae), Labcorp
Classification: Uncertain significance for Microphthalmia with brain and digit anomalies; Orofacial cleft 11. Last evaluated: 2025-10-26. Review status: criteria provided, single submitter. Criteria: Invitae Variant Classification Sherloc (09022015). Collection method: clinical testing. Allele origin: germline.
Comment: This sequence change replaces glycine, which is neutral and non-polar, with serine, which is neutral and polar, at codon 103 of the BMP4 protein (p.Gly103Ser). This variant is present in population databases (no rsID available, gnomAD 0.0009%). This variant has not been reported in the literature in individuals affected with BMP4-related conditions. An algorithm developed to predict the effect of missense changes on protein structure and function outputs the following: PolyPhen-2: "Benign". The serine amino acid residue is found in multiple mammalian species, which suggests that this missense change does not adversely affect protein function. In summary, the available evidence is currently insufficient to determine the role of this variant in disease. Therefore, it has been classified as a Variant of Uncertain Significance.

NM_001202.6(BMP4):c.307G>A (p.Gly103Ser)

Gene: BMP4 (bone morphogenetic protein 4; minus strand). Cytogenetic location: 14q22.2.
Variant type: single nucleotide variant.
Coding change: c.307G>A on transcript NM_001202.6 (MANE Select); coding-DNA position 307, G replaced by A.
Protein change: p.Gly103Ser; replaces glycine 103 with serine.
Molecular consequence: missense variant.
Genome position (GRCh38, 1-based): chr14:53,951,916, C>T on the plus strand (G>A on the coding strand, the complement: BMP4 is on the minus strand). VCF-style: chr14-53951916-C-T. GRCh37 (hg19) VCF-style: chr14-54418634-C-T.
Other names: c.448G>A, p.Gly150Ser (NM_001347912.1); c.118G>A, p.Gly40Ser (NM_001347913.2, NM_001347915.2, NM_001347917.1); c.307G>A, p.Gly103Ser (NM_001347914.2, NM_001347916.1, NM_130850.5 and 1 more transcripts); short protein forms G103S, G150S, G40S.
Identifiers: ClinVar variation 4786425 (VCV004786425.1).